The following is an entry in ClinVar:

NM_004928.3(CFAP410):c.261G>A (p.Pro87=)

Gene: CFAP410 (cilia and flagella associated protein 410; minus strand). Cytogenetic location: 21q22.3.
Variant type: single nucleotide variant.
Coding change: c.261G>A on transcript NM_004928.3 (MANE Select); coding-DNA position 261, G replaced by A.
Protein change: p.Pro87=; no amino-acid change (proline 87 retained).
Molecular consequence: synonymous variant.
Genome position (GRCh38, 1-based): chr21:44,333,145, C>T on the plus strand (G>A on the coding strand, the complement: CFAP410 is on the minus strand). VCF-style: chr21-44333145-C-T. GRCh37 (hg19) VCF-style: chr21-45753028-C-T.
Other names: c.261G>A, p.Pro87= (NM_001271440.2, NM_001271441.2); c.138G>A, p.Pro46= (NM_001271442.1); c.261G>A (NM_004928.2).
Identifiers: ClinVar variation 1159366 (VCV001159366.11), dbSNP rs1602079872, ClinGen allele CA512670951.
Genomic context (GRCh38, chr21:44,333,145, plus strand): 5'-GTAGCGGTGGGGGCTGGTGCCGCAGCACGGGTTCTCGGCCAGCCACAGCACCCGCAGACG[C>T]GGCAGCCCCTTCAGGTAGAAGAGCTCAGCCAGGCTGGGGATGCGGTTCCTCCGCAGGTAC-3'
Protein context (NP_004919.1, residues 77-97): LAELFYLKGL[Pro87=]RLRVLWLAEN

ClinVar aggregate classification (germline): Likely benign. Review status: criteria provided, multiple submitters, no conflicts (2 of 4 stars). 3 submissions from 3 submitters: Likely benign (3). Last evaluated 2026-04-23.

Conditions:
CFAP410-related disorder. Also called: CFAP410-related condition.

Allele frequency attached by ClinVar (database versions not stated): gnomAD 0.00001; TOPMed 0.00001.
gnomAD v4.1: 9 of 1,612,188 alleles (0.00056%); highest among the groups gnomAD compares: Non-Finnish European, 0.00076%; no homozygotes.

Submissions (3):

PreventionGenetics, part of Exact Sciences
Classification: Likely benign for CFAP410-related condition. Last evaluated: 2026-04-23. Review status: criteria provided, single submitter. Criteria: ACMG Guidelines, 2015. Collection method: clinical testing. Allele origin: germline.
Comment: This variant is classified as likely benign based on ACMG/AMP sequence variant interpretation guidelines (Richards et al. 2015 PMID: 25741868, with internal and published modifications).

Labcorp Genetics (formerly Invitae), Labcorp
Classification: Likely benign. Last evaluated: 2025-03-05. Review status: criteria provided, single submitter. Criteria: Invitae Variant Classification Sherloc (09022015). Collection method: clinical testing. Allele origin: germline.

Blueprint Genetics
Classification: Likely benign. Last evaluated: 2023-01-05. Review status: criteria provided, single submitter. Criteria: ACMG Guidelines, 2015. Collection method: clinical testing. Allele origin: germline.